The following is an entry in ClinVar:

ClinVar aggregate classification (germline): Likely benign. Review status: criteria provided, multiple submitters, no conflicts (2 of 4 stars). 2 submissions from 2 submitters: Likely benign (2). Last evaluated 2025-06-22.

Conditions:
Left ventricular noncompaction 8 (LVNC8). Identifiers: Orphanet 154, Orphanet 54260, MedGen C3809288, MONDO:0014152, OMIM 615373.

Allele frequency attached by ClinVar (database versions not stated): gnomAD exomes below 0.00001; ExAC 0.00001; TOPMed 0.00001.
gnomAD v4.1: 30 of 1,588,434 alleles (0.0019%); highest among the groups gnomAD compares: East Asian, 0.0068%; no homozygotes.

Submissions (2):

Labcorp Genetics (formerly Invitae), Labcorp
Classification: Likely benign for Left ventricular noncompaction 8. Last evaluated: 2025-06-22. Review status: criteria provided, single submitter. Criteria: Invitae Variant Classification Sherloc (09022015). Collection method: clinical testing. Allele origin: germline.

Laboratory for Molecular Medicine, Mass General Brigham Personalized Medicine
Classification: Likely benign. Last evaluated: 2018-11-06. Review status: criteria provided, single submitter. Criteria: LMM Criteria. Collection method: clinical testing. Allele origin: germline. Observed: 1 variant allele.
Comment: The p.Ser661Ser variant in PRDM16 is classified as likely benign because it does not alter an amino acid residue, is not located within the splice consensus sit e, and computational splice prediction tools do not predict an impact on splicin g. It has been identified in 0.003% (1/33366) of Latino chromosomes by gnomAD. ACMG/AMP Criteria applied: BP4, BP7.

NM_022114.4(PRDM16):c.1983C>T (p.Ser661=)

Gene: PRDM16 (PR/SET domain 16; plus strand). Cytogenetic location: 1p36.32.
Variant type: single nucleotide variant.
Coding change: c.1983C>T on transcript NM_022114.4 (MANE Select); coding-DNA position 1983, C replaced by T.
Protein change: p.Ser661=; no amino-acid change (serine 661 retained).
Molecular consequence: synonymous variant.
Genome position (GRCh38, 1-based): chr1:3,412,180, C>T. VCF-style: chr1-3412180-C-T. GRCh37 (hg19) VCF-style: chr1-3328744-C-T.
Other names: c.1983C>T, p.Ser661= (NM_199454.3).
Identifiers: ClinVar variation 667157 (VCV000667157.12), dbSNP rs764211215, ClinGen allele CA544352.